The following is an entry in ClinVar:

ClinVar aggregate classification (germline): Benign/Likely benign. Review status: criteria provided, multiple submitters, no conflicts (2 of 4 stars). 3 submissions from 3 submitters: Benign (1); Likely benign (2). Last evaluated 2024-09-03.

Conditions:
Familial cancer of breast. Also called: BREAST CANCER, FAMILIAL; hereditary breast carcinoma; Hereditary breast cancer. Identifiers: Orphanet 227535, MedGen C0346153, MONDO:0016419, OMIM 114480. Disease mechanism: loss of function.
Fanconi anemia complementation group J. Also called: BRIP1-Related Fanconi Anemia. Identifiers: Orphanet 84, MedGen C1836860, MONDO:0012187, OMIM 609054.
Hereditary cancer-predisposing syndrome. Also called: Tumor predisposition; Hereditary Cancer Syndrome; Neoplastic Syndromes, Hereditary; Hereditary neoplastic syndrome. Identifiers: Orphanet 140162, MedGen C0027672, MeSH D009386, MONDO:0015356.

Allele frequency attached by ClinVar (database versions not stated): gnomAD 0.00001; TOPMed 0.00001.
gnomAD v4.1: 3 of 1,613,998 alleles (0.00019%); highest among the groups gnomAD compares: Non-Finnish European, 0.00025%; no homozygotes.

Submissions (3):

Myriad Genetics, Inc.
Classification: Benign for Familial cancer of breast. Last evaluated: 2024-09-03. Review status: criteria provided, single submitter. Criteria: Myriad Autosomal Dominant, Autosomal Recessive and X-Linked Classification Criteria (2023). Collection method: clinical testing. Allele origin: unknown.
Comment: This variant is considered benign. This variant is a silent/synonymous amino acid change and it is not expected to impact splicing.

Labcorp Genetics (formerly Invitae), Labcorp
Classification: Likely benign for Familial cancer of breast; Fanconi anemia complementation group J. Last evaluated: 2024-05-06. Review status: criteria provided, single submitter. Criteria: Invitae Variant Classification Sherloc (09022015). Collection method: clinical testing. Allele origin: germline.

Ambry Genetics
Classification: Likely benign for Hereditary cancer-predisposing syndrome. Last evaluated: 2019-05-14. Review status: criteria provided, single submitter. Criteria: Ambry Variant Classification Scheme 2023. Collection method: clinical testing. Allele origin: germline.

NM_032043.3(BRIP1):c.1989C>T (p.Thr663=)

Gene: BRIP1 (BRCA1 interacting DNA helicase 1; minus strand). Cytogenetic location: 17q23.2.
Variant type: single nucleotide variant.
Coding change: c.1989C>T on transcript NM_032043.3 (MANE Select); coding-DNA position 1989, C replaced by T.
Protein change: p.Thr663=; no amino-acid change (threonine 663 retained).
Molecular consequence: synonymous variant.
Genome position (GRCh38, 1-based): chr17:61,776,509, G>A on the plus strand (C>T on the coding strand, the complement: BRIP1 is on the minus strand). VCF-style: chr17-61776509-G-A. GRCh37 (hg19) VCF-style: chr17-59853870-G-A.
Identifiers: ClinVar variation 755851 (VCV000755851.16), dbSNP rs376628979, ClinGen allele CA501150182.
Genomic context (GRCh38, chr17:61,776,509, plus strand): 5'-CACAGATAACAAAAGTGCTCCCACTTCATCTTGGAACTCAAATGTTTCAGTATTCTGGAA[G>A]GTAGCACAGAGATTCCGACCCTTGGGGCCTGACCCAATGGTACCAACCCAAACCTAGAAT-3'
Protein context (NP_114432.2, residues 653-673): SGPKGRNLCA[Thr663=]FQNTETFEFQ